The following is an entry in ClinVar:

NM_000138.5(FBN1):c.2678A>G (p.Asp893Gly)

Gene: FBN1 (fibrillin 1; minus strand). Cytogenetic location: 15q21.1.
Variant type: single nucleotide variant.
Coding change: c.2678A>G on transcript NM_000138.5 (MANE Select); coding-DNA position 2678, A replaced by G.
Protein change: p.Asp893Gly; replaces aspartic acid 893 with glycine.
Molecular consequence: missense variant.
Genome position (GRCh38, 1-based): chr15:48,494,254, T>C on the plus strand (A>G on the coding strand, the complement: FBN1 is on the minus strand). VCF-style: chr15-48494254-T-C. GRCh37 (hg19) VCF-style: chr15-48786451-T-C.
Other names: c.2678A>G, p.Asp893Gly (NM_001406716.1); short protein forms D893G.
Identifiers: ClinVar variation 2773372 (VCV002773372.4), dbSNP rs775538043, ClinGen allele CA048488.

ClinVar aggregate classification (germline): Uncertain significance. Review status: criteria provided, multiple submitters, no conflicts (2 of 4 stars). 3 submissions from 3 submitters: Uncertain significance (3). Last evaluated 2025-12-23.

Conditions:
Marfan syndrome (MFS). Also called: FBN1-Related Marfan Syndrome; MARFAN SYNDROME, TYPE I; Marfan syndrome type 1; Marfan's syndrome; Marfan syndrome, classic. Identifiers: Orphanet 284963, Orphanet 558, MedGen C0024796, MONDO:0007947, OMIM 154700.
Familial thoracic aortic aneurysm and aortic dissection (TAAD). Also called: Thoracic aortic aneurysms and dissections. Identifiers: Orphanet 91387, MedGen C4707243, MONDO:0019625.

Allele frequency attached by ClinVar (database versions not stated): ExAC 0.00001.

Submissions (3):

Labcorp Genetics (formerly Invitae), Labcorp
Classification: Uncertain significance for Marfan syndrome; Familial thoracic aortic aneurysm and aortic dissection. Last evaluated: 2025-12-23. Review status: criteria provided, single submitter. Criteria: Invitae Variant Classification Sherloc (09022015). Collection method: clinical testing. Allele origin: germline.
Comment: This sequence change replaces aspartic acid, which is acidic and polar, with glycine, which is neutral and non-polar, at codon 893 of the FBN1 protein (p.Asp893Gly). This variant is present in population databases (rs775538043, gnomAD 0.003%). This variant has not been reported in the literature in individuals affected with FBN1-related conditions. ClinVar contains an entry for this variant (Variation ID: 2773372). An algorithm developed to predict the effect of missense changes on protein structure and function (PolyPhen-2) suggests that this variant is likely to be disruptive. In summary, the available evidence is currently insufficient to determine the role of this variant in disease. Therefore, it has been classified as a Variant of Uncertain Significance.

All of Us Research Program, National Institutes of Health
Classification: Uncertain significance for Marfan syndrome. Last evaluated: 2023-12-13. Review status: criteria provided, single submitter. Criteria: ACMG Guidelines, 2015. Collection method: clinical testing. Allele origin: germline. Inheritance: Autosomal dominant inheritance. Observed: 1 variant allele, 1 heterozygote.
Comment: This missense variant replaces aspartic acid with glycine at codon 893 of the FBN1 protein. Computational prediction suggests that this variant may have deleterious impact on protein structure and function (internally defined REVEL score threshold >= 0.7, PMID: 27666373). To our knowledge, functional studies have not been reported for this variant. This variant has not been reported in individuals affected with cardiovascular disorders in the literature. This variant has been identified in 1/250896 chromosomes in the general population by the Genome Aggregation Database (gnomAD). The available evidence is insufficient to determine the role of this variant in disease conclusively. Therefore, this variant is classified as a Variant of Uncertain Significance.

This study involves interpretation of variants in research participants for the purpose of population health screening. Participant phenotype was not available at the time of variant classification. Additional details can be found in publication PMID: 35346344, PMCID: PMC8962531

Color Diagnostics, LLC DBA Color Health
Classification: Uncertain significance for Familial thoracic aortic aneurysm and aortic dissection. Last evaluated: 2023-11-08. Review status: criteria provided, single submitter. Criteria: ACMG Guidelines, 2015. Collection method: clinical testing. Allele origin: germline.
Comment: This missense variant replaces aspartic acid with glycine at codon 893 of the FBN1 protein. Computational prediction suggests that this variant may have deleterious impact on protein structure and function (internally defined REVEL score threshold >= 0.7, PMID: 27666373). To our knowledge, functional studies have not been reported for this variant. This variant has not been reported in individuals affected with FBN1-related disorders in the literature. This variant has been identified in 1/250896 chromosomes in the general population by the Genome Aggregation Database (gnomAD). The available evidence is insufficient to determine the role of this variant in disease conclusively. Therefore, this variant is classified as a Variant of Uncertain Significance.